The following is an entry in ClinVar:

ClinVar aggregate classification (germline): Likely pathogenic (1 of 4 stars; one submission).

Conditions:
Glutaric aciduria, type 1. Also called: Glutaric acidemia type I; Glutaryl-CoA dehydrogenase deficiency; Glutaricaciduria, type I; Glutaric Acidemia Type 1; GA I; Glutaricacidemia Type 1. Identifiers: Orphanet 25, MedGen C0268595, MONDO:0009281, OMIM 231670.

Submission:

Women's Health and Genetics/Laboratory Corporation of America, LabCorp
Classification: Likely pathogenic for Glutaric aciduria, type 1. Last evaluated: 2025-05-12. Review status: criteria provided, single submitter. Criteria: LabCorp Variant Classification Summary - May 2015. Collection method: clinical testing. Allele origin: germline.
Comment: Variant summary: GCDH c.263G>C (p.Arg88Pro) results in a non-conservative amino acid change in the encoded protein sequence. Algorithms developed to predict the effect of missense changes on protein structure and function all suggest that this variant is likely to be disruptive. The variant was absent in 251424 control chromosomes (gnomAD). c.263G>C has been observed in at least one individual affected with Glutaric Acidemia Type 1 (Schuurmans_2023). Two different variants affecting the same codon have been classified as likely pathogenic/pathogenic by our lab (c.262C>T, p.Arg88Cys; c.262C>A, p.Arg88Ser), supporting the critical relevance of codon 88 to GCDH protein function. To our knowledge, no experimental evidence demonstrating an impact on protein function has been reported. The following publications have been ascertained in the context of this evaluation (PMID: 37020324, 38137040). No submitters have cited clinical-significance assessments for this variant to ClinVar. Based on the evidence outlined above, the variant was classified as likely pathogenic.

Literature cited by the submitters: PubMed 37020324; PubMed 38137040.

NM_000159.4(GCDH):c.263G>C (p.Arg88Pro)

Gene: GCDH (glutaryl-CoA dehydrogenase; plus strand). Cytogenetic location: 19p13.13.
Variant type: single nucleotide variant.
Coding change: c.263G>C on transcript NM_000159.4 (MANE Select); coding-DNA position 263, G replaced by C.
Protein change: p.Arg88Pro; replaces arginine 88 with proline.
Molecular consequence: missense variant. On other transcripts: non-coding transcript variant (2).
Genome position (GRCh38, 1-based): chr19:12,891,966, G>C. VCF-style: chr19-12891966-G-C. GRCh37 (hg19) VCF-style: chr19-13002780-G-C.
Other names: c.263G>C, p.Arg88Pro (NM_013976.5); short protein forms R88P.
Identifiers: ClinVar variation 3902311 (VCV003902311.1).